The following is an entry in ClinVar:

ClinVar aggregate classification (germline): Uncertain significance (1 of 4 stars; one submission).

Conditions:
Familial acute necrotizing encephalopathy (IIAE3). Also called: ENCEPHALOPATHY, ACUTE, INFECTION-INDUCED, SUSCEPTIBILITY TO, 3; Susceptibility to Acute Necrotizing Encephalopathy 1. Identifiers: Orphanet 88619, MedGen C2675556, MONDO:0011953, OMIM 608033.

Submission:

Labcorp Genetics (formerly Invitae), Labcorp
Classification: Uncertain significance for Familial acute necrotizing encephalopathy. Last evaluated: 2021-07-17. Review status: criteria provided, single submitter. Criteria: Invitae Variant Classification Sherloc (09022015). Collection method: clinical testing. Allele origin: germline.
Comment: In summary, the available evidence is currently insufficient to determine the role of this variant in disease. Therefore, it has been classified as a Variant of Uncertain Significance. This variant has not been reported in the literature in individuals with RANBP2-related conditions. This variant results in a copy number gain of the genomic region encompassing exon(s) 3-24 of the RANBP2 gene. While the exact position of this variant cannot be determined from the data, sub-genic copy number gains are generally in tandem (PMID: 25640679). This variant is predicted to be out-of-frame, and may result in an absent or disrupted protein product. However, the current clinical and genetic evidence is not sufficient to establish whether loss-of-function variants in RANBP2 cause disease.

Literature cited by the submitters: PubMed 25640679.

NC_000002.11:g.(?_109347210)_(109392412_?)dup

Gene: RANBP2 (RAN binding protein 2; plus strand). Cytogenetic location: 2q12.3.
Variant type: Duplication.
Identifiers: ClinVar variation 1439386 (VCV001439386.5).